The following is an entry in ClinVar:

NM_005751.5(AKAP9):c.11417-4T>G

Gene: AKAP9 (A-kinase anchoring protein 9; plus strand). Cytogenetic location: 7q21.2.
Variant type: single nucleotide variant.
Coding change: c.11417-4T>G on transcript NM_005751.5 (MANE Select); 4 bases into the intron before coding-DNA position 11417, T replaced by G.
Molecular consequence: intron variant.
Genome position (GRCh38, 1-based): chr7:92,107,289, T>G. VCF-style: chr7-92107289-T-G. GRCh37 (hg19) VCF-style: chr7-91736603-T-G.
Other names: c.11393-4T>G (NM_147185.3); c.6062-4T>G (NM_001379277.1).
Identifiers: ClinVar variation 2449783 (VCV002449783.2), dbSNP rs1584601292, ClinGen allele CA456455535.

ClinVar aggregate classification (germline): Uncertain significance (1 of 4 stars; one submission).

Conditions:
Cardiovascular phenotype. Identifiers: MedGen CN230736.

Allele frequency attached by ClinVar (database versions not stated): gnomAD exomes below 0.00001.
gnomAD v4.1: 3 of 1,613,872 alleles (0.00019%); highest among the groups gnomAD compares: African/African-American, 0.0027%; no homozygotes.

Submission:

Ambry Genetics
Classification: Uncertain significance for Cardiovascular phenotype. Last evaluated: 2023-02-24. Review status: criteria provided, single submitter. Criteria: Ambry Variant Classification Scheme 2023. Collection method: clinical testing. Allele origin: germline.
Comment: The c.11417-4T>G intronic variant results from a T to G substitution 4 nucleotides upstream from coding exon 48 in the AKAP9 gene. This nucleotide position is well conserved in available vertebrate species. In silico splice site analysis for this alteration is inconclusive. The evidence for this gene-disease relationship is limited; therefore, the clinical significance of this alteration is unclear.